The following is an entry in ClinVar:

ClinVar aggregate classification (germline): Uncertain significance. Review status: criteria provided, multiple submitters, no conflicts (2 of 4 stars). 2 submissions from 2 submitters: Uncertain significance (2). Last evaluated 2024-02-24.

Conditions:
Inborn genetic diseases. Identifiers: MedGen C0950123, MeSH D030342.
Oculofaciocardiodental syndrome (MCOPS2). Identifiers: Orphanet 2712, MedGen C1846265, MONDO:0010261, OMIM 300166.

gnomAD v4.1: 11 of 1,210,802 alleles (0.00091%); highest among the groups gnomAD compares: Middle Eastern, 0.023%; no homozygotes.

Submissions (2):

Labcorp Genetics (formerly Invitae), Labcorp
Classification: Uncertain significance for Oculofaciocardiodental syndrome. Last evaluated: 2024-02-24. Review status: criteria provided, single submitter. Criteria: Invitae Variant Classification Sherloc (09022015). Collection method: clinical testing. Allele origin: germline.
Comment: This sequence change replaces serine, which is neutral and polar, with arginine, which is basic and polar, at codon 17 of the BCOR protein (p.Ser17Arg). This variant is present in population databases (rs771428828, gnomAD 0.005%). This variant has not been reported in the literature in individuals affected with BCOR-related conditions. ClinVar contains an entry for this variant (Variation ID: 1060863). An algorithm developed to predict the effect of missense changes on protein structure and function (PolyPhen-2) suggests that this variant is likely to be disruptive. In summary, the available evidence is currently insufficient to determine the role of this variant in disease. Therefore, it has been classified as a Variant of Uncertain Significance.

Ambry Genetics
Classification: Uncertain significance for Inborn genetic diseases. Last evaluated: 2023-01-11. Review status: criteria provided, single submitter. Criteria: Ambry Variant Classification Scheme 2023. Collection method: clinical testing. Allele origin: germline.

NM_001123385.2(BCOR):c.51C>G (p.Ser17Arg)

Gene: BCOR (BCL6 corepressor; minus strand). Cytogenetic location: Xp11.4.
Variant type: single nucleotide variant.
Coding change: c.51C>G on transcript NM_001123385.2 (MANE Select); coding-DNA position 51, C replaced by G.
Protein change: p.Ser17Arg; replaces serine 17 with arginine.
Molecular consequence: missense variant.
Genome position (GRCh38, 1-based): chrX:40,077,879, G>C on the plus strand (C>G on the coding strand, the complement: BCOR is on the minus strand). VCF-style: chrX-40077879-G-C. GRCh37 (hg19) VCF-style: chrX-39937132-G-C.
Other names: c.51C>G, p.Ser17Arg (NM_001123383.2, NM_001123384.2, NM_017745.6); short protein forms S17R.
Identifiers: ClinVar variation 1060863 (VCV001060863.9), dbSNP rs771428828, ClinGen allele CA10387120.